The following is an entry in ClinVar:

ClinVar aggregate classification (germline): Uncertain significance (1 of 4 stars; one submission).

Submission:

GeneDx
Classification: Uncertain significance. Last evaluated: 2024-08-13. Review status: criteria provided, single submitter. Criteria: GeneDx Variant Classification Process June 2021. Collection method: clinical testing. Allele origin: germline. Affected: yes.
Comment: Frameshift variant predicted to result in abnormal protein length as the last 351 amino acids are replaced with 40 different amino acids; Not observed at significant frequency in large population cohorts (gnomAD); Has not been previously published as pathogenic or benign to our knowledge

NM_178014.4(TUBB):c.281_284del (p.Gln94fs)

Gene: TUBB (tubulin beta class I; plus strand). Cytogenetic location: 6p21.33.
Variant type: Deletion.
Coding change: c.281_284del on transcript NM_178014.4 (MANE Select); coding-DNA positions 281 to 284, 4 bases deleted (AGTC; older notation c.281_284delAGTC).
Protein change: p.Gln94fs; shifts the reading frame from glutamine 94.
Molecular consequence: frameshift variant.
Genome position (GRCh38, 1-based): chr6:30,723,343-30,723,346, AGTC deleted; deleting any 4 consecutive bases within chr6:30,723,340-30,723,346 gives the same sequence; the c. name uses the placement nearest the transcript's 3' end. VCF-style (leftmost placement, unchanged base first): chr6-30723339-GGTCA-G. GRCh37 (hg19) VCF-style: chr6-30691116-GGTCA-G.
Other names: c.341_344del, p.Gln114fs (NM_001293212.2); c.281_284del, p.Gln94fs (NM_001293213.2); c.149_152del, p.Gln50fs (NM_001293214.2); c.65_68del, p.Gln22fs (NM_001293215.2, NM_001293216.2); short protein forms Q114fs, Q22fs, Q50fs, Q94fs.
Identifiers: ClinVar variation 3731020 (VCV003731020.1).